The following is an entry in ClinVar:

ClinVar aggregate classification (germline): Conflicting classifications of pathogenicity. Review status: criteria provided, conflicting classifications (1 of 4 stars). 6 submissions from 6 submitters: Uncertain significance (2); Likely benign (2). 2 of the submissions do not count toward it. Last evaluated 2026-02-03.

Conditions:
Peroxisome biogenesis disorder 6A (Zellweger). Also called: Peroxisome biogenesis disorder 6A. Identifiers: Orphanet 912, MedGen C3553947, MONDO:0013936, OMIM 614870.
PEX10-related disorder. Also called: PEX10-related condition.
Peroxisome biogenesis disorder, complementation group 7 (CG7). Also called: Peroxisome biogenesis disorder, complementation group B. Identifiers: MedGen C1864399.
Zellweger spectrum disorders (ZS). Also called: Zellweger syndrome; Zellweger Spectrum Disorder; Zellweger Spectrum; Zellweger Spectrum Disorder (ZSD). Identifiers: Orphanet 912, MedGen C0043459, MONDO:0019609.

Allele frequency attached by ClinVar (database versions not stated): gnomAD exomes 0.00010 and 0.00024; ExAC 0.00038; ESP Exome Variant Server 0.00069; 1000 Genomes Project 30x 0.00078; 1000 Genomes Project 0.00080; gnomAD 0.00091 and 0.00103; TOPMed 0.00118.
gnomAD v4.1: 289 of 1,602,252 alleles (0.018%); highest among the groups gnomAD compares: African/African-American, 0.32%; 1 homozygote.

Submissions (6):

Labcorp Genetics (formerly Invitae), Labcorp
Classification: Likely benign for Peroxisome biogenesis disorder, complementation group 7. Last evaluated: 2026-02-03. Review status: criteria provided, single submitter. Criteria: Invitae Variant Classification Sherloc (09022015). Collection method: clinical testing. Allele origin: germline.

Blueprint Genetics
Classification: Likely benign. Last evaluated: 2024-10-09. Review status: criteria provided, single submitter. Criteria: ACMG Guidelines, 2015. Collection method: clinical testing. Allele origin: germline.

Eurofins Ntd Llc (ga)
Classification: Uncertain significance. Last evaluated: 2018-02-05. Review status: criteria provided, single submitter. Criteria: EGL Classification Definitions 2015. Collection method: clinical testing. Allele origin: germline. Observed: 11 variant alleles, 11 heterozygotes.

Illumina Laboratory Services, Illumina
Classification: Uncertain significance for Peroxisome biogenesis disorder 6A (Zellweger). Last evaluated: 2018-01-13. Review status: criteria provided, single submitter. Criteria: ICSL Variant Classification Criteria 13 December 2019. Collection method: clinical testing. Allele origin: germline.

PreventionGenetics, part of Exact Sciences
Classification: Likely benign for PEX10-related condition. Last evaluated: 2023-04-25. Review status: no assertion criteria provided. Collection method: clinical testing. Allele origin: germline. Not counted in ClinVar's aggregate classification.
Comment: This variant is classified as likely benign based on ACMG/AMP sequence variant interpretation guidelines (Richards et al. 2015 PMID: 25741868, with internal and published modifications).

Natera, Inc.
Classification: Uncertain significance for Zellweger syndrome. Last evaluated: 2019-10-28. Review status: no assertion criteria provided. Collection method: clinical testing. Allele origin: germline. Not counted in ClinVar's aggregate classification.

NM_002617.4(PEX10):c.601-27A>G

Gene: PEX10 (peroxisomal biogenesis factor 10; minus strand). Cytogenetic location: 1p36.32.
Variant type: single nucleotide variant.
Coding change: c.601-27A>G on transcript NM_002617.4 (MANE Select); 27 bases into the intron before coding-DNA position 601, A replaced by G.
Molecular consequence: intron variant. On other transcripts: missense variant (3).
Genome position (GRCh38, 1-based): chr1:2,406,922, T>C on the plus strand (A>G on the coding strand, the complement: PEX10 is on the minus strand). VCF-style: chr1-2406922-T-C. GRCh37 (hg19) VCF-style: chr1-2338361-T-C.
Other names: c.631A>G, p.Met211Val (NM_001374425.1); c.199A>G, p.Met67Val (NM_001374426.1); c.634A>G, p.Met212Val (NM_153818.2); c.169-27A>G (NM_001374427.1); short protein forms M212V, M211V, M67V.
Identifiers: ClinVar variation 500033 (VCV000500033.22), dbSNP rs144264865, ClinGen allele CA538102.